The following is an entry in ClinVar:

ClinVar aggregate classification (germline): Uncertain significance (1 of 4 stars; one submission).

Allele frequency attached by ClinVar (database versions not stated): ExAC 0.00002; ESP Exome Variant Server 0.00008.
gnomAD v4.1: 5 of 1,613,562 alleles (0.00031%); highest among the groups gnomAD compares: African/African-American, 0.0053%; no homozygotes.

Submission:

Ambry Genetics
Classification: Uncertain significance. Last evaluated: 2023-07-26. Review status: criteria provided, single submitter. Criteria: Ambry Variant Classification Scheme 2023. Collection method: clinical testing. Allele origin: germline.
Comment: The p.E861Q variant (also known as c.2581G>C), located in coding exon 4 of the ALPK2 gene, results from a G to C substitution at nucleotide position 2581. The glutamic acid at codon 861 is replaced by glutamine, an amino acid with highly similar properties. This amino acid position is conserved. In addition, this alteration is predicted to be tolerated by in silico analysis. Since supporting evidence is limited at this time, the clinical significance of this alteration remains unclear.

NM_052947.4(ALPK2):c.2581G>C (p.Glu861Gln)

Gene: ALPK2 (alpha kinase 2; minus strand). Cytogenetic location: 18q21.31.
Variant type: single nucleotide variant.
Coding change: c.2581G>C on transcript NM_052947.4 (MANE Select); coding-DNA position 2581, G replaced by C.
Protein change: p.Glu861Gln; replaces glutamic acid 861 with glutamine.
Molecular consequence: missense variant.
Genome position (GRCh38, 1-based): chr18:58,537,606, C>G on the plus strand (G>C on the coding strand, the complement: ALPK2 is on the minus strand). VCF-style: chr18-58537606-C-G. GRCh37 (hg19) VCF-style: chr18-56204838-C-G.
Other names: short protein forms E861Q.
Identifiers: ClinVar variation 1793385 (VCV001793385.3), dbSNP rs371849715, ClinGen allele CA8977052.